The following is an entry in ClinVar:

ClinVar aggregate classification (germline): Uncertain significance (1 of 4 stars; one submission).

Conditions:
Sulfite oxidase deficiency due to molybdenum cofactor deficiency type C. Also called: Molybdenum cofactor deficiency, complementation group C; Molybdenum cofactor deficiency C. Identifiers: Orphanet 308400, Orphanet 833, MedGen C1854990, MONDO:0014212, OMIM 615501.

Submission:

Labcorp Genetics (formerly Invitae), Labcorp
Classification: Uncertain significance for Sulfite oxidase deficiency due to molybdenum cofactor deficiency type C. Last evaluated: 2022-10-14. Review status: criteria provided, single submitter. Criteria: Invitae Variant Classification Sherloc (09022015). Collection method: clinical testing. Allele origin: germline.
Comment: This sequence change replaces arginine, which is basic and polar, with glycine, which is neutral and non-polar, at codon 737 of the GPHN protein (p.Arg737Gly). This variant is not present in population databases (gnomAD no frequency). This variant has not been reported in the literature in individuals affected with GPHN-related conditions. ClinVar contains an entry for this variant (Variation ID: 958347). Advanced modeling of protein sequence and biophysical properties (such as structural, functional, and spatial information, amino acid conservation, physicochemical variation, residue mobility, and thermodynamic stability) performed at Invitae indicates that this missense variant is not expected to disrupt GPHN protein function. In summary, the available evidence is currently insufficient to determine the role of this variant in disease. Therefore, it has been classified as a Variant of Uncertain Significance.

NM_020806.5(GPHN):c.2209C>G (p.Arg737Gly)

Gene: GPHN (gephyrin; plus strand). Cytogenetic location: 14q23.3.
Variant type: single nucleotide variant.
Coding change: c.2209C>G on transcript NM_020806.5 (MANE Select); coding-DNA position 2209, C replaced by G.
Protein change: p.Arg737Gly; replaces arginine 737 with glycine.
Molecular consequence: missense variant.
Genome position (GRCh38, 1-based): chr14:67,180,836, C>G. VCF-style: chr14-67180836-C-G. GRCh37 (hg19) VCF-style: chr14-67647553-C-G.
Other names: c.2110C>G, p.Arg704Gly (NM_001024218.2); c.2269C>G, p.Arg757Gly (NM_001377514.1); c.2239C>G, p.Arg747Gly (NM_001377515.1); c.2230C>G, p.Arg744Gly (NM_001377516.1); c.2182C>G, p.Arg728Gly (NM_001377517.1); c.2167C>G, p.Arg723Gly (NM_001377518.1); c.2149C>G, p.Arg717Gly (NM_001377519.1); short protein forms R704G, R728G, R717G, R723G, R737G, R744G, R747G, R757G.
Identifiers: ClinVar variation 958347 (VCV000958347.9), dbSNP rs1484644467, ClinGen allele CA390122558.